The following is an entry in ClinVar:

ClinVar aggregate classification (germline): Uncertain significance (1 of 4 stars; one submission).

gnomAD v4.1: 1 of 1,602,208 alleles (0.000062%); highest among the groups gnomAD compares: Non-Finnish European, 0.000086%; no homozygotes.

Submission:

Labcorp Genetics (formerly Invitae), Labcorp
Classification: Uncertain significance. Last evaluated: 2023-08-02. Review status: criteria provided, single submitter. Criteria: Invitae Variant Classification Sherloc (09022015). Collection method: clinical testing. Allele origin: germline.
Comment: In summary, the available evidence is currently insufficient to determine the role of this variant in disease. Therefore, it has been classified as a Variant of Uncertain Significance. An algorithm developed to predict the effect of missense changes on protein structure and function (PolyPhen-2) suggests that this variant is likely to be disruptive. This variant has not been reported in the literature in individuals affected with CDH2-related conditions. This variant is not present in population databases (gnomAD no frequency). This sequence change replaces arginine, which is basic and polar, with leucine, which is neutral and non-polar, at codon 656 of the CDH2 protein (p.Arg656Leu).

NM_001792.5(CDH2):c.1967G>T (p.Arg656Leu)

Gene: CDH2 (cadherin 2; minus strand). Cytogenetic location: 18q12.1.
Variant type: single nucleotide variant.
Coding change: c.1967G>T on transcript NM_001792.5 (MANE Select); coding-DNA position 1967, G replaced by T.
Protein change: p.Arg656Leu; replaces arginine 656 with leucine.
Molecular consequence: missense variant.
Genome position (GRCh38, 1-based): chr18:27,985,536, C>A on the plus strand (G>T on the coding strand, the complement: CDH2 is on the minus strand). VCF-style: chr18-27985536-C-A. GRCh37 (hg19) VCF-style: chr18-25565500-C-A.
Other names: c.1874G>T, p.Arg625Leu (NM_001308176.2); short protein forms R625L, R656L.
Identifiers: ClinVar variation 2904428 (VCV002904428.3), dbSNP rs1374084310, ClinGen allele CA402107171.
Genomic context (GRCh38, chr18:27,985,536, plus strand): 5'-GCTTCAAAATCTCTCAACTGCACATATATTCAAATAATTAACCTGTTCTTACCATTAAGC[C>A]GAGTGATGGTCCAATTTCTCTTAATAGTCACTGGAGATAAAGGAAGATCAAAAGCAAATG-3'
Protein context (NP_001783.2, residues 646-666): VTIKRNWTIT[Arg656Leu]LNGDFAQLNL